The following is an entry in ClinVar:

ClinVar aggregate classification (germline): Likely pathogenic (1 of 4 stars; one submission).

Conditions:
Glaucoma 3A. Also called: Glaucoma 3, primary congenital, A. Identifiers: Orphanet 98976, Orphanet 98977, MedGen C1856439, MONDO:0009277, OMIM 231300.
Anterior segment dysgenesis 6 (ASGD6). Also called: Anterior segment dysgenesis 6, multiple subtypes. Identifiers: MedGen C4310623, MONDO:0015016, OMIM 617315.

Submission:

Juno Genomics, Hangzhou Juno Genomics, Inc
Classification: Likely pathogenic for Anterior segment dysgenesis 6; Glaucoma 3A. Review status: criteria provided, single submitter. Criteria: ACMG Guidelines, 2015. Collection method: clinical testing. Allele origin: germline.
Comment: Null variant in a gene where loss of function (LOF) is a known mechanism of disease.;Absent from controls (or at extremely low frequency if recessive) in Genome Aggregation Database.

NM_000104.4(CYP1B1):c.-1-1G>A

Gene: CYP1B1 (cytochrome P450 family 1 subfamily B member 1; minus strand). Cytogenetic location: 2p22.2.
Variant type: single nucleotide variant.
Coding change: c.-1-1G>A on transcript NM_000104.4 (MANE Select); the canonical splice acceptor site of the intron before 1 bases upstream of the start codon, G replaced by A.
Molecular consequence: splice acceptor variant.
Genome position (GRCh38, 1-based): chr2:38,075,390, C>T on the plus strand (G>A on the coding strand, the complement: CYP1B1 is on the minus strand). VCF-style: chr2-38075390-C-T. GRCh37 (hg19) VCF-style: chr2-38302533-C-T.
Identifiers: ClinVar variation 5006287 (VCV005006287.2).